The following is an entry in ClinVar:

ClinVar aggregate classification (germline): Uncertain significance (1 of 4 stars; one submission).

Submission:

Laboratory for Molecular Medicine, Mass General Brigham Personalized Medicine
Classification: Uncertain significance. Last evaluated: 2016-03-28. Review status: criteria provided, single submitter. Criteria: LMM Criteria. Collection method: clinical testing. Allele origin: germline.
Comment: Variant identified in a genome or exome case(s) and assessed due to predicted null impact of the variant or pathogenic assertions in the literature or databases. Disclaimer: This variant has not undergone full assessment. The following are preliminary notes: Does not affect coding region of major transcript.

NM_001034853.2(RPGR):c.2254del (p.Glu752fs)

Gene: RPGR (retinitis pigmentosa GTPase regulator; minus strand). Cytogenetic location: Xp11.4.
Variant type: Deletion.
Coding change: c.2254del on transcript NM_001034853.2 (MANE Select); coding-DNA position 2254, one base deleted (G; older notation c.2254delG).
Protein change: p.Glu752fs; shifts the reading frame from glutamic acid 752.
Molecular consequence: frameshift variant. On other transcripts: intron variant (8).
Genome position (GRCh38, 1-based): chrX:38,286,745, C deleted on the plus strand (G on the coding strand, the reverse complement: RPGR is on the minus strand); the first of 2 consecutive C bases (chrX:38,286,745-38,286,746); deleting either gives the same sequence. VCF-style (leftmost placement, unchanged base first): chrX-38286744-TC-T. GRCh37 (hg19) VCF-style: chrX-38145997-TC-T.
Other names: c.1569+4214del (NM_001367249.1, NM_001367250.1); c.1902+349del (NM_001367245.1); c.1386+4214del (NM_001367251.1); c.1719+349del (NM_001367246.1); c.1572+4214del (NM_001367247.1); c.1905+349del (NM_000328.3); c.1602+4214del (NM_001367248.1); short protein forms E752fs.
Identifiers: ClinVar variation 403394 (VCV000403394.4), dbSNP rs1060499897, ClinGen allele CA16609785.